The following is an entry in ClinVar:

NM_007373.4(SHOC2):c.1073A>G (p.Tyr358Cys)

Gene: SHOC2 (SHOC2 leucine rich repeat scaffold protein; plus strand). Cytogenetic location: 10q25.2.
Variant type: single nucleotide variant.
Coding change: c.1073A>G on transcript NM_007373.4 (MANE Select); coding-DNA position 1073, A replaced by G.
Protein change: p.Tyr358Cys; replaces tyrosine 358 with cysteine.
Molecular consequence: missense variant. On other transcripts: non-coding transcript variant (1).
Genome position (GRCh38, 1-based): chr10:111,004,706, A>G. VCF-style: chr10-111004706-A-G. GRCh37 (hg19) VCF-style: chr10-112764464-A-G.
Other names: c.935A>G, p.Tyr312Cys (NM_001269039.3); c.1073A>G, p.Tyr358Cys (NM_001324336.2, NM_001324337.2); short protein forms Y312C, Y358C.
Identifiers: ClinVar variation 948934 (VCV000948934.9), dbSNP rs779128466, ClinGen allele CA5689707.

ClinVar aggregate classification (germline): Uncertain significance. Review status: criteria provided, multiple submitters, no conflicts (2 of 4 stars). 2 submissions from 2 submitters: Uncertain significance (2). Last evaluated 2025-09-04.

Conditions:
RASopathy. Also called: rasopathies; Noonan spectrum disorder. Identifiers: Orphanet 536391, MedGen C5555857, MONDO:0021060.
Cardiovascular phenotype. Identifiers: MedGen CN230736.

Allele frequency attached by ClinVar (database versions not stated): ExAC 0.00001; gnomAD 0.00001; TOPMed 0.00001.
gnomAD v4.1: 19 of 1,613,176 alleles (0.0012%); highest among the groups gnomAD compares: Admixed American, 0.0017%; no homozygotes.

Submissions (2):

Labcorp Genetics (formerly Invitae), Labcorp
Classification: Uncertain significance for RASopathy. Last evaluated: 2025-09-04. Review status: criteria provided, single submitter. Criteria: Invitae Variant Classification Sherloc (09022015). Collection method: clinical testing. Allele origin: germline.
Comment: This sequence change replaces tyrosine, which is neutral and polar, with cysteine, which is neutral and slightly polar, at codon 358 of the SHOC2 protein (p.Tyr358Cys). This variant is present in population databases (rs779128466, gnomAD 0.003%). This variant has not been reported in the literature in individuals affected with SHOC2-related conditions. ClinVar contains an entry for this variant (Variation ID: 948934). Invitae Evidence Modeling of protein sequence and biophysical properties (such as structural, functional, and spatial information, amino acid conservation, physicochemical variation, residue mobility, and thermodynamic stability) indicates that this missense variant is not expected to disrupt SHOC2 protein function with a negative predictive value of 80%. In summary, the available evidence is currently insufficient to determine the role of this variant in disease. Therefore, it has been classified as a Variant of Uncertain Significance.

Ambry Genetics
Classification: Uncertain significance for Cardiovascular phenotype. Last evaluated: 2025-01-27. Review status: criteria provided, single submitter. Criteria: Ambry Variant Classification Scheme 2023. Collection method: clinical testing. Allele origin: germline.
Comment: The p.Y358C variant (also known as c.1073A>G), located in coding exon 4 of the SHOC2 gene, results from an A to G substitution at nucleotide position 1073. The tyrosine at codon 358 is replaced by cysteine, an amino acid with highly dissimilar properties. This amino acid position is conserved. In addition, the in silico prediction for this alteration is inconclusive. Based on the available evidence, the clinical significance of this variant remains unclear.